The following is an entry in ClinVar:

ClinVar aggregate classification (germline): Uncertain significance (1 of 4 stars; one submission).

Submission:

Centre of Medical Genetics, University Hospital Muenster
Classification: Uncertain significance. Last evaluated: 2022-05-09. Review status: criteria provided, single submitter. Criteria: ACMG Guidelines, 2015. Collection method: clinical testing. Allele origin: unknown. Affected: yes. Observed: 1 variant allele, 1 heterozygote.
Comment: ACMG categories: PS4

NM_020338.4(ZMIZ1):c.857C>A (p.Ala286Glu)

Gene: ZMIZ1 (zinc finger MIZ-type containing 1; plus strand). Cytogenetic location: 10q22.3.
Variant type: single nucleotide variant.
Coding change: c.857C>A on transcript NM_020338.4 (MANE Select); coding-DNA position 857, C replaced by A.
Protein change: p.Ala286Glu; replaces alanine 286 with glutamic acid.
Molecular consequence: missense variant.
Genome position (GRCh38, 1-based): chr10:79,292,256, C>A. VCF-style: chr10-79292256-C-A. GRCh37 (hg19) VCF-style: chr10-81052013-C-A.
Other names: short protein forms A286E.
Identifiers: ClinVar variation 1691562 (VCV001691562.3), dbSNP rs1853546100, ClinGen allele CA377332978.